The following is an entry in ClinVar:

ClinVar aggregate classification (germline): Benign (1 of 4 stars; one submission).

Allele frequency attached by ClinVar (database versions not stated): gnomAD 0.24703 and 0.25545; TOPMed 0.25527; 1000 Genomes Project 30x 0.29981; 1000 Genomes Project 0.30970.
gnomAD v4.1: 38,770 of 151,986 alleles (26%); highest among the groups gnomAD compares: East Asian, 51%; 5,524 homozygotes.

Submission:

GeneDx
Classification: Benign. Last evaluated: 2018-06-19. Review status: criteria provided, single submitter. Criteria: GeneDx Variant Classification (06012015). Collection method: clinical testing. Allele origin: germline. Affected: yes.
Comment: This variant is considered likely benign or benign based on one or more of the following criteria: it is a conservative change, it occurs at a poorly conserved position in the protein, it is predicted to be benign by multiple in silico algorithms, and/or has population frequency not consistent with disease.

NM_006070.6(TFG):c.581-281T>C

Gene: TFG (trafficking from ER to golgi regulator; plus strand). Cytogenetic location: 3q12.2.
Variant type: single nucleotide variant.
Coding change: c.581-281T>C on transcript NM_006070.6 (MANE Select); 281 bases into the intron before coding-DNA position 581, T replaced by C.
Molecular consequence: intron variant.
Genome position (GRCh38, 1-based): chr3:100,736,295, T>C. VCF-style: chr3-100736295-T-C. GRCh37 (hg19) VCF-style: chr3-100455139-T-C.
Other names: c.581-281T>C (NM_001007565.2, NM_001195479.2, NM_001195478.2).
Identifiers: ClinVar variation 667550 (VCV000667550.1), dbSNP rs3773921, ClinGen allele CA15239731.